The following is an entry in ClinVar:

NM_006662.3(SRCAP):c.4723C>T (p.Pro1575Ser)

Gene: SRCAP (Snf2 related CREBBP activator protein; plus strand). Cytogenetic location: 16p11.2.
Variant type: single nucleotide variant.
Coding change: c.4723C>T on transcript NM_006662.3 (MANE Select); coding-DNA position 4723, C replaced by T.
Protein change: p.Pro1575Ser; replaces proline 1575 with serine.
Molecular consequence: missense variant.
Genome position (GRCh38, 1-based): chr16:30,724,147, C>T. VCF-style: chr16-30724147-C-T. GRCh37 (hg19) VCF-style: chr16-30735468-C-T.
Other names: short protein forms P1575S.
Identifiers: ClinVar variation 1356054 (VCV001356054.8), dbSNP rs143556666, ClinGen allele CA8011812.
Genomic context (GRCh38, chr16:30,724,147, plus strand): 5'-CTGGCCAGTCCTTTTCCGTCAGCACCAAATCCAGCTCCAGCTCAGGCTTCCCTTCTGGCT[C>T]CAGCATCTTCTGCATCTCAGGCTCTAGCCACCCCTCTGGCTCCTATGGCGGCTCCACAGA-3'
Protein context (NP_006653.2, residues 1565-1585): PAPAQASLLA[Pro1575Ser]ASSASQALAT

ClinVar aggregate classification (germline): Conflicting classifications of pathogenicity. Review status: criteria provided, conflicting classifications (1 of 4 stars). 2 submissions from 2 submitters: Uncertain significance (1); Likely benign (1). Last evaluated 2025-09-30.

Conditions:
Developmental delay, hypotonia, musculoskeletal defects, and behavioral abnormalities. Identifiers: MedGen C5562012, MONDO:0859202, OMIM 619595.
Floating-Harbor syndrome (FLHS). Also called: Short stature with delayed bone age, expressive language delay, a triangular face with a prominent nose and deep-set eyes; Pelletier-Leisti syndrome; SRCAP-Related Floating-Harbor Syndrome. Identifiers: Orphanet 2044, MedGen C0729582, MONDO:0007621, OMIM 136140.

Allele frequency attached by ClinVar (database versions not stated): gnomAD 0.00001; gnomAD exomes 0.00001; ExAC 0.00002; ESP Exome Variant Server 0.00008.

Submissions (2):

Labcorp Genetics (formerly Invitae), Labcorp
Classification: Uncertain significance. Last evaluated: 2025-09-30. Review status: criteria provided, single submitter. Criteria: Invitae Variant Classification Sherloc (09022015). Collection method: clinical testing. Allele origin: germline.
Comment: This sequence change replaces proline, which is neutral and non-polar, with serine, which is neutral and polar, at codon 1575 of the SRCAP protein (p.Pro1575Ser). This variant is present in population databases (rs143556666, gnomAD 0.0009%). This variant has not been reported in the literature in individuals affected with SRCAP-related conditions. ClinVar contains an entry for this variant (Variation ID: 1356054). An algorithm developed to predict the effect of missense changes on protein structure and function outputs the following: PolyPhen-2: "Possibly Damaging". The serine amino acid residue is found in multiple mammalian species, which suggests that this missense change does not adversely affect protein function. In summary, the available evidence is currently insufficient to determine the role of this variant in disease. Therefore, it has been classified as a Variant of Uncertain Significance.

Fulgent Genetics
Classification: Likely benign for Floating-Harbor syndrome; Developmental delay, hypotonia, musculoskeletal defects, and behavioral abnormalities. Last evaluated: 2024-03-19. Review status: criteria provided, single submitter. Criteria: ACMG Guidelines, 2015. Collection method: clinical testing. Allele origin: germline.